The following is an entry in ClinVar:

NM_004415.4(DSP):c.2348T>C (p.Met783Thr)

Gene: DSP (desmoplakin; plus strand). Cytogenetic location: 6p24.3.
Variant type: single nucleotide variant.
Coding change: c.2348T>C on transcript NM_004415.4 (MANE Select); coding-DNA position 2348, T replaced by C.
Protein change: p.Met783Thr; replaces methionine 783 with threonine.
Molecular consequence: missense variant.
Genome position (GRCh38, 1-based): chr6:7,574,707, T>C. VCF-style: chr6-7574707-T-C. GRCh37 (hg19) VCF-style: chr6-7574940-T-C.
Other names: c.2348T>C, p.Met783Thr (NM_001008844.3, NM_001319034.2); short protein forms M783T.
Identifiers: ClinVar variation 2775285 (VCV002775285.4), dbSNP rs763144866, ClinGen allele CA133962810.

ClinVar aggregate classification (germline): Uncertain significance. Review status: criteria provided, multiple submitters, no conflicts (2 of 4 stars). 3 submissions from 3 submitters: Uncertain significance (3). Last evaluated 2026-02-09.

Conditions:
Cardiovascular phenotype. Identifiers: MedGen CN230736.
Arrhythmogenic right ventricular dysplasia 8 (ARVD8). Also called: Arrhythmogenic Right Ventricular Dysplasia/Cardiomyopathy 8; ARRHYTHMOGENIC RIGHT VENTRICULAR DYSPLASIA, FAMILIAL, 8; ARRHYTHMOGENIC RIGHT VENTRICULAR CARDIOMYOPATHY 8. Identifiers: MedGen C1843896, MONDO:0011831, OMIM 607450.
Arrhythmogenic cardiomyopathy with wooly hair and keratoderma. Also called: PALMOPLANTAR KERATODERMA WITH LEFT VENTRICULAR CARDIOMYOPATHY AND WOOLLY HAIR; Carvajal syndrome; Dilated cardiomyopathy with woolly hair and keratoderma; Arrhythmogenic cardiomyopathy with woolly hair and keratoderma. Identifiers: Orphanet 65282, MedGen C1854063, MONDO:0011581, OMIM 605676.
Cardiomyopathy (CMYO). Also called: Cardiomyopathies. Identifiers: Orphanet 167848, MedGen C0878544, MONDO:0004994, HP:0001638. Inheritance: Various modes of inheritance.

Allele frequency attached by ClinVar (database versions not stated): gnomAD exomes below 0.00001; gnomAD 0.00001; TOPMed 0.00001.

Submissions (3):

Ambry Genetics
Classification: Uncertain significance for Cardiovascular phenotype. Last evaluated: 2026-02-09. Review status: criteria provided, single submitter. Criteria: Ambry Variant Classification Scheme 2023. Collection method: clinical testing. Allele origin: germline.
Comment: The p.M783T variant (also known as c.2348T>C), located in coding exon 17 of the DSP gene, results from a T to C substitution at nucleotide position 2348. The methionine at codon 783 is replaced by threonine, an amino acid with similar properties. This amino acid position is not well conserved in available vertebrate species. In addition, this alteration is predicted to be tolerated by in silico analysis. Based on the available evidence, the clinical significance of this variant remains unclear.

Labcorp Genetics (formerly Invitae), Labcorp
Classification: Uncertain significance for Arrhythmogenic cardiomyopathy with wooly hair and keratoderma; Arrhythmogenic right ventricular dysplasia 8. Last evaluated: 2025-11-26. Review status: criteria provided, single submitter. Criteria: Invitae Variant Classification Sherloc (09022015). Collection method: clinical testing. Allele origin: germline.
Comment: This sequence change replaces methionine, which is neutral and non-polar, with threonine, which is neutral and polar, at codon 783 of the DSP protein (p.Met783Thr). This variant is not present in population databases (gnomAD no frequency). This variant has not been reported in the literature in individuals affected with DSP-related conditions. ClinVar contains an entry for this variant (Variation ID: 2775285). An algorithm developed to predict the effect of missense changes on protein structure and function (PolyPhen-2) suggests that this variant is likely to be tolerated. In summary, the available evidence is currently insufficient to determine the role of this variant in disease. Therefore, it has been classified as a Variant of Uncertain Significance.

Color Diagnostics, LLC DBA Color Health
Classification: Uncertain significance for Cardiomyopathy. Last evaluated: 2024-03-07. Review status: criteria provided, single submitter. Criteria: ACMG Guidelines, 2015. Collection method: clinical testing. Allele origin: germline.
Comment: This missense variant replaces methionine with threonine at codon 783 of the DSP protein. Computational prediction suggests that this variant may not impact protein structure and function (internally defined REVEL score threshold <= 0.5, PMID: 27666373). To our knowledge, functional studies have not been reported for this variant. This variant has not been reported in individuals affected with cardiovascular disorders in the literature. This variant has not been identified in the general population by the Genome Aggregation Database (gnomAD). The available evidence is insufficient to determine the role of this variant in disease conclusively. Therefore, this variant is classified as a Variant of Uncertain Significance.